The following is an entry in ClinVar:

ClinVar aggregate classification (germline): Benign/Likely benign. Review status: criteria provided, multiple submitters, no conflicts (2 of 4 stars). 7 submissions from 7 submitters: Benign (3); Likely benign (4). Last evaluated 2025-12-21.

Conditions:
Inborn genetic diseases. Identifiers: MedGen C0950123, MeSH D030342.
Mowat-Wilson syndrome (MOWS). Also called: Classic Mowat-Wilson Syndrome. Identifiers: Orphanet 2152, MedGen C1856113, MONDO:0009341, OMIM 235730.

Allele frequency attached by ClinVar (database versions not stated): gnomAD 0.00006 and 0.00007; gnomAD exomes 0.00006 and 0.00014; TOPMed 0.00007; ESP Exome Variant Server 0.00008; ExAC 0.00016.
gnomAD v4.1: 102 of 1,614,150 alleles (0.0063%); highest among the groups gnomAD compares: Admixed American, 0.033%; no homozygotes.

Submissions (7):

Labcorp Genetics (formerly Invitae), Labcorp
Classification: Likely benign for Mowat-Wilson syndrome. Last evaluated: 2025-12-21. Review status: criteria provided, single submitter. Criteria: Invitae Variant Classification Sherloc (09022015). Collection method: clinical testing. Allele origin: germline.

Blueprint Genetics
Classification: Likely benign. Last evaluated: 2024-10-23. Review status: criteria provided, single submitter. Criteria: ACMG Guidelines, 2015. Collection method: clinical testing. Allele origin: germline.

Athena Diagnostics
Classification: Benign. Last evaluated: 2024-10-08. Review status: criteria provided, single submitter. Criteria: Athena Diagnostics Criteria. Collection method: clinical testing. Allele origin: unknown.

CeGaT Center for Human Genetics Tuebingen
Classification: Likely benign. Last evaluated: 2023-07-01. Review status: criteria provided, single submitter. Criteria: CeGaT Center For Human Genetics Tuebingen Variant Classification Criteria Version 2. Collection method: clinical testing. Allele origin: germline. Affected: yes. Observed: 1 variant allele.
Comment: ZEB2: BP4, BP7

Genome-Nilou Lab
Classification: Benign for Mowat-Wilson syndrome. Last evaluated: 2021-11-07. Review status: criteria provided, single submitter. Criteria: ACMG Guidelines, 2015. Collection method: clinical testing. Allele origin: germline. Affected: no.

Ambry Genetics
Classification: Likely benign for Inborn genetic diseases. Last evaluated: 2017-04-20. Review status: criteria provided, single submitter. Criteria: Ambry Variant Classification Scheme 2023. Collection method: clinical testing. Allele origin: germline.

GeneDx
Classification: Benign. Last evaluated: 2015-03-03. Review status: criteria provided, single submitter. Criteria: GeneDx Variant Classification Process June 2021. Collection method: clinical testing. Allele origin: germline. Affected: yes.

NM_014795.4(ZEB2):c.1221C>T (p.His407=)

Gene: ZEB2 (zinc finger E-box binding homeobox 2; minus strand). Cytogenetic location: 2q22.3.
Variant type: single nucleotide variant.
Coding change: c.1221C>T on transcript NM_014795.4 (MANE Select); coding-DNA position 1221, C replaced by T.
Protein change: p.His407=; no amino-acid change (histidine 407 retained).
Molecular consequence: synonymous variant.
Genome position (GRCh38, 1-based): chr2:144,399,966, G>A on the plus strand (C>T on the coding strand, the complement: ZEB2 is on the minus strand). VCF-style: chr2-144399966-G-A. GRCh37 (hg19) VCF-style: chr2-145157533-G-A.
Other names: c.1149C>T, p.His383= (NM_001171653.2).
Identifiers: ClinVar variation 466274 (VCV000466274.46), dbSNP rs144613207, ClinGen allele CA1898362.
Genomic context (GRCh38, chr2:144,399,966, plus strand): 5'-TCCTAAAGGGCTGGTGGCTCCAAGCCCACCATTCATAAAGGGACTAGTGCCACTAAACCC[G>A]TGTGTAGCCATAAGAACTTTATAGTCATTGAAGTCTAGTGGTTCTGTTTTAATTTTAAGT-3'
Protein context (NP_055610.1, residues 397-417): FNDYKVLMAT[His407=]GFSGTSPFMN